The following is an entry in ClinVar:

NM_152263.4(TPM3):c.589_590delinsAT (p.Glu197Met)

Gene: TPM3 (tropomyosin 3; minus strand). Cytogenetic location: 1q21.3.
Variant type: Indel.
Coding change: c.589_590delinsAT on transcript NM_152263.4 (MANE Select); coding-DNA positions 589 to 590, GA replaced by AT.
Protein change: p.Glu197Met; replaces glutamic acid 197 with methionine.
Molecular consequence: missense variant. On other transcripts: intron variant (8).
Genome position (GRCh38, 1-based): chr1:154,171,465-154,171,466, TC replaced by AT on the plus strand (GA replaced by AT on the coding strand, the reverse complement: TPM3 is on the minus strand). VCF-style: chr1-154171465-TC-AT. GRCh37 (hg19) VCF-style: chr1-154143941-TC-AT.
Other names: c.478_479delinsAT, p.Glu160Met (NM_001043351.2, NM_001043353.2, NM_001349679.2); c.208_209delinsAT, p.Glu70Met (NM_001278191.2); c.589_590delinsAT, p.Glu197Met (NM_001364679.2, NM_001364681.2); c.642+563_642+564delinsAT (NM_001364680.2, NM_001364682.1); c.333+563_333+564delinsAT (NM_001278188.2); c.531+563_531+564delinsAT (NM_001278190.2, NM_153649.4, NM_001043352.2 and 2 more transcripts); short protein forms E197M, E160M, E70M.
Identifiers: ClinVar variation 1384288 (VCV001384288.6), dbSNP rs2148235398, ClinGen allele CA2573131141.
Genomic context (GRCh38, chr1:154,171,465, plus strand): 5'-GCCCCTACCTTCTCCGCCTGAGCCTCAAGAGACTTGAGGTTGTTGGTGACATTCTTCAGC[TC>AT]CTCCTCCAGCTCAGAACACTTACTGTGAATATTTTAAATACCACAGGAGAGGAAAAGGGA-3'
Protein context (NP_689476.2, residues 187-207): AESKCSELEE[Glu197Met]LKNVTNNLKS

ClinVar aggregate classification (germline): Uncertain significance (1 of 4 stars; one submission).

Conditions:
Congenital myopathy 4B, autosomal recessive. Also called: Nemaline myopathy 1, autosomal dominant or recessive. Identifiers: Orphanet 171433, Orphanet 171439, Orphanet 171881, MedGen C5829889, MONDO:0012239, OMIM 609284.
Congenital myopathy with fiber type disproportion. Also called: Congenital fiber-type disproportion; Congenital fiber-type disproportion myopathy. Identifiers: Orphanet 2020, MedGen C0546264, MONDO:0009711. Inheritance: all.

Submission:

Labcorp Genetics (formerly Invitae), Labcorp
Classification: Uncertain significance for Congenital myopathy with fiber type disproportion; Congenital myopathy 4B, autosomal recessive. Last evaluated: 2025-02-17. Review status: criteria provided, single submitter. Criteria: Invitae Variant Classification Sherloc (09022015). Collection method: clinical testing. Allele origin: germline.
Comment: This variant, c.589_590delinsAT, is a complex sequence change that results in the deletion of 1 and insertion of 1 amino acid(s) in the TPM3 protein (p.Glu197Met). The frequency data for this variant in the population databases is considered unreliable, as metrics indicate poor data quality at this position in the gnomAD database. This variant has not been reported in the literature in individuals affected with TPM3-related conditions. ClinVar contains an entry for this variant (Variation ID: 1384288). An algorithm developed to predict the effect of missense changes on protein structure and function (PolyPhen-2) suggests that this variant is likely to be disruptive. In summary, the available evidence is currently insufficient to determine the role of this variant in disease. Therefore, it has been classified as a Variant of Uncertain Significance.